The following is an entry in ClinVar:

NM_014714.4(IFT140):c.2483del (p.Gly828fs)

Gene: IFT140 (intraflagellar transport 140; minus strand). Cytogenetic location: 16p13.3.
Variant type: Deletion.
Coding change: c.2483del on transcript NM_014714.4 (MANE Select); coding-DNA position 2483, one base deleted (G; older notation c.2483delG).
Protein change: p.Gly828fs; shifts the reading frame from glycine 828.
Molecular consequence: frameshift variant.
Genome position (GRCh38, 1-based): chr16:1,526,713, C deleted on the plus strand (G on the coding strand, the reverse complement: IFT140 is on the minus strand); the first of 3 consecutive C bases (chr16:1,526,713-1,526,715); deleting any one gives the same sequence. VCF-style (leftmost placement, unchanged base first): chr16-1526712-GC-G. GRCh37 (hg19) VCF-style: chr16-1576713-GC-G.
Other names: short protein forms G828fs.
Identifiers: ClinVar variation 1905580 (VCV001905580.7), dbSNP rs1221627009, ClinGen allele CA620701198.

ClinVar aggregate classification (germline): Pathogenic. Review status: criteria provided, multiple submitters, no conflicts (2 of 4 stars). 3 submissions from 3 submitters: Pathogenic (3). Last evaluated 2025-04-17.

Conditions:
Retinitis pigmentosa 80 (RP80). Identifiers: MedGen C4540439, MONDO:0054708, OMIM 617781.
Saldino-Mainzer syndrome (SRTD9). Also called: Renal dysplasia, retinal pigmentary dystrophy, cerebellar ataxia and skeletal dysplasia; CONORENAL SYNDROME; short-rib thoracic dysplasia 9 with or without polydactyly; SHORT-RIB THORACIC DYSPLASIA 9 WITHOUT POLYDACTYLY. Identifiers: Orphanet 140969, MedGen C1849437, MONDO:0009964, OMIM 266920.
Retinal dystrophy. Also called: Inherited retinal dystrophy. Identifiers: Orphanet 71862, MedGen C0854723, MeSH D058499, MONDO:0019118, HP:0000556.

Submissions (3):

Labcorp Genetics (formerly Invitae), Labcorp
Classification: Pathogenic for Saldino-Mainzer syndrome. Last evaluated: 2025-04-17. Review status: criteria provided, single submitter. Criteria: Invitae Variant Classification Sherloc (09022015). Collection method: clinical testing. Allele origin: germline.
Comment: This sequence change creates a premature translational stop signal (p.Gly828Alafs*18) in the IFT140 gene. It is expected to result in an absent or disrupted protein product. Loss-of-function variants in IFT140 are known to be pathogenic (PMID: 22503633, 23418020, 24009529, 26216056). The frequency data for this variant in the population databases is considered unreliable, as metrics indicate poor data quality at this position in the gnomAD database. This variant has not been reported in the literature in individuals affected with IFT140-related conditions. ClinVar contains an entry for this variant (Variation ID: 1905580). For these reasons, this variant has been classified as Pathogenic.

Fulgent Genetics
Classification: Pathogenic for Saldino-Mainzer syndrome; Retinitis pigmentosa 80. Last evaluated: 2024-05-21. Review status: criteria provided, single submitter. Criteria: ACMG Guidelines, 2015. Collection method: clinical testing. Allele origin: germline.

Institute of Human Genetics, Univ. Regensburg, Univ. Regensburg
Classification: Pathogenic for Retinal dystrophy. Last evaluated: 2017-01-01. Review status: criteria provided, single submitter. Criteria: ACMG Guidelines, 2015. Collection method: clinical testing. Allele origin: germline. Affected: yes.

Literature cited by the submitters: PubMed 22503633 (cited by Labcorp Genetics (formerly Invitae), Labcorp); PubMed 23418020 (cited by Labcorp Genetics (formerly Invitae), Labcorp); PubMed 24009529 (cited by Labcorp Genetics (formerly Invitae), Labcorp); PubMed 26216056 (cited by Labcorp Genetics (formerly Invitae), Labcorp); PubMed 34890546 (cited by Institute of Human Genetics, Univ. Regensburg, Univ. Regensburg).